The following is an entry in ClinVar:

NM_001257096.2(PAX1):c.1123C>G (p.Gln375Glu)

Gene: PAX1 (paired box 1; plus strand). Cytogenetic location: 20p11.22.
Variant type: single nucleotide variant.
Coding change: c.1123C>G on transcript NM_001257096.2 (MANE Select); coding-DNA position 1123, C replaced by G.
Protein change: p.Gln375Glu; replaces glutamine 375 with glutamic acid.
Molecular consequence: missense variant.
Genome position (GRCh38, 1-based): chr20:21,709,285, C>G. VCF-style: chr20-21709285-C-G. GRCh37 (hg19) VCF-style: chr20-21689923-C-G.
Other names: c.1123C>G, p.Gln375Glu (NM_006192.5); short protein forms Q375E.
Identifiers: ClinVar variation 775587 (VCV000775587.17), dbSNP rs148928178, ClinGen allele CA9786687.

ClinVar aggregate classification (germline): Likely benign. Review status: criteria provided, multiple submitters, no conflicts (2 of 4 stars). 5 submissions from 5 submitters: Likely benign (4). 1 of the submissions does not count toward it. Last evaluated 2026-02-04.

Conditions:
PAX1-related disorder. Also called: PAX1-related condition.

Allele frequency attached by ClinVar (database versions not stated): gnomAD exomes 0.00050; ExAC 0.00059; 1000 Genomes Project 0.00160; 1000 Genomes Project 30x 0.00172; gnomAD 0.00218 and 0.00237; TOPMed 0.00233; ESP Exome Variant Server 0.00279.

Submissions (5):

Women's Health and Genetics/Laboratory Corporation of America, LabCorp
Classification: Likely benign. Last evaluated: 2026-02-04. Review status: criteria provided, single submitter. Criteria: LabCorp Variant Classification Summary - May 2015. Collection method: clinical testing. Allele origin: germline.
Comment: Variant summary: PAX1 c.1123C>G (p.Gln375Glu) results in a conservative amino acid change in the encoded protein sequence. Algorithms developed to predict the effect of missense changes on protein structure and function are either unavailable or do not agree on the potential impact of this missense change. The variant allele was found at a frequency of 0.0005 in 238232 control chromosomes, predominantly at a frequency of 0.0074 within the African or African-American subpopulation in the gnomAD database. The observed variant frequency within African or African-American control individuals in the gnomAD database exceeds the estimated maximal expected allele frequency for disease-causing variants in PAX1. To our knowledge, no occurrence of c.1123C>G in individuals affected with PAX1-related conditions and no experimental evidence demonstrating its impact on protein function have been reported. ClinVar contains an entry for this variant (Variation ID: 775587). Based on the evidence outlined above, the variant was classified as likely benign.

Labcorp Genetics (formerly Invitae), Labcorp
Classification: Likely benign. Last evaluated: 2026-02-01. Review status: criteria provided, single submitter. Criteria: Invitae Variant Classification Sherloc (09022015). Collection method: clinical testing. Allele origin: germline.

Blueprint Genetics
Classification: Likely benign. Last evaluated: 2024-09-09. Review status: criteria provided, single submitter. Criteria: ACMG Guidelines, 2015. Collection method: clinical testing. Allele origin: germline.

Breakthrough Genomics
Classification: Likely benign. Review status: criteria provided, single submitter. Criteria: ACMG Guidelines, 2015. Collection method: not provided. Allele origin: germline. Inheritance: Autosomal recessive inheritance. Affected: yes.

PreventionGenetics, part of Exact Sciences
Classification: Benign for PAX1-related condition. Last evaluated: 2024-04-17. Review status: no assertion criteria provided. Collection method: clinical testing. Allele origin: germline. Not counted in ClinVar's aggregate classification.
Comment: This variant is classified as benign based on ACMG/AMP sequence variant interpretation guidelines (Richards et al. 2015 PMID: 25741868, with internal and published modifications).